The following is an entry in ClinVar:

ClinVar aggregate classification (germline): Likely pathogenic. Review status: criteria provided, multiple submitters, no conflicts (2 of 4 stars). 2 submissions from 2 submitters: Likely pathogenic (2). Last evaluated 2025-02-01.

Conditions:
Alagille syndrome due to a JAG1 point mutation. Also called: Alagille Syndrome 1; HEPATIC DUCTULAR HYPOPLASIA, SYNDROMATIC; JAG1-Related Alagille Syndrome. Identifiers: Orphanet 261619, Orphanet 52, MedGen C1956125, MONDO:0016862, OMIM 118450.

Submissions (3):

Department of Human Genetics, Hannover Medical School
Classification: Likely pathogenic for Alagille syndrome due to a JAG1 point mutation. Last evaluated: 2025-02-01. Review status: criteria provided, single submitter. Criteria: ACMG Guidelines, 2015. Collection method: clinical testing. Allele origin: germline. Affected: yes. Observed: 1 variant allele.
Comment: ACMG: In vitro analyses show functional impairment (PMID: 39043182 and our analysis ) [PS3]; Observation of the variant in multiple unrelated patients with the same phenotype [PS4_mod]; Variant is absent from controls (gnomAD v4.1.0) [PM2_supp]; Missense variant in a gene that has a low rate of benign missense variation and in which missense variants are a common mechanism of disease (Missense gnomAD constraint Z-Score JAG1: 5,3) [PP2]

Eurofins-Biomnis
Classification: Likely pathogenic for Alagille syndrome due to a JAG1 point mutation. Last evaluated: 2022-10-25. Review status: criteria provided, single submitter. Criteria: Accession Criteria ClinVar Biomnis. Collection method: clinical testing. Allele origin: de novo. Affected: yes. Observed: 1 heterozygote.

Gilbert/Spinner Lab, Children's Hospital of Philadelphia
No classification provided (evidence only). Condition: Alagille syndrome. Review status: no classification provided. Collection method: research. Allele origin: not applicable. Functional consequence: functionally_abnormal. Not counted in ClinVar's aggregate classification.
ClinVar note: "not provided" was previously submitted as the classification for the variant. However, the classification appeared to be based only on an observation of functional data so it was converted to no classification on 2025-07-30.

NM_000214.3(JAG1):c.53T>G (p.Leu18Arg)

Gene: JAG1 (jagged canonical Notch ligand 1; minus strand). Cytogenetic location: 20p12.2.
Variant type: single nucleotide variant.
Coding change: c.53T>G on transcript NM_000214.3 (MANE Select); coding-DNA position 53, T replaced by G.
Protein change: p.Leu18Arg; replaces leucine 18 with arginine.
Molecular consequence: missense variant.
Genome position (GRCh38, 1-based): chr20:10,673,478, A>C on the plus strand (T>G on the coding strand, the complement: JAG1 is on the minus strand). VCF-style: chr20-10673478-A-C. GRCh37 (hg19) VCF-style: chr20-10654126-A-C.
Other names: short protein forms L18R.
Identifiers: ClinVar variation 2506465 (VCV002506465.4), dbSNP rs2514538986, ClinGen allele CA408244154.
Genomic context (GRCh38, chr20:10,673,478, plus strand): 5'-GCTGGGAGGGAGGCCCGGAGAAGGGCTCCTACCTTGGCTCGCAGGGCACAGAGCAGGGCG[A>C]GCAGGAGGCTTAGGGGGCGCCCGGACCGGCCGCGCGTCCGTGGGGAACGCATCGCTGCGC-3'
Protein context (NP_000205.1, residues 8-28): GRSGRPLSLL[Leu18Arg]ALLCALRAKV